The following is an entry in ClinVar:

NM_001080449.3(DNA2):c.2327T>C (p.Leu776Pro)

Gene: DNA2 (DNA replication helicase/nuclease 2; minus strand). Cytogenetic location: 10q21.3.
Variant type: single nucleotide variant.
Coding change: c.2327T>C on transcript NM_001080449.3 (MANE Select); coding-DNA position 2327, T replaced by C.
Protein change: p.Leu776Pro; replaces leucine 776 with proline.
Molecular consequence: missense variant. On other transcripts: non-coding transcript variant (1).
Genome position (GRCh38, 1-based): chr10:68,422,772, A>G on the plus strand (T>C on the coding strand, the complement: DNA2 is on the minus strand). VCF-style: chr10-68422772-A-G. GRCh37 (hg19) VCF-style: chr10-70182529-A-G.
Other names: short protein forms L776P.
Identifiers: ClinVar variation 1500663 (VCV001500663.6), dbSNP rs866149439, ClinGen allele CA208194652.

ClinVar aggregate classification (germline): Uncertain significance (1 of 4 stars; one submission).

Allele frequency attached by ClinVar (database versions not stated): gnomAD exomes below 0.00001; gnomAD 0.00001; TOPMed 0.00001.
gnomAD v4.1: 2 of 1,609,756 alleles (0.00012%); highest among the groups gnomAD compares: Admixed American, 0.0017%; no homozygotes.

Submission:

Labcorp Genetics (formerly Invitae), Labcorp
Classification: Uncertain significance. Last evaluated: 2022-10-07. Review status: criteria provided, single submitter. Criteria: Invitae Variant Classification Sherloc (09022015). Collection method: clinical testing. Allele origin: germline.
Comment: This sequence change replaces leucine, which is neutral and non-polar, with proline, which is neutral and non-polar, at codon 776 of the DNA2 protein (p.Leu776Pro). This variant is not present in population databases (gnomAD no frequency). This variant has not been reported in the literature in individuals affected with DNA2-related conditions. ClinVar contains an entry for this variant (Variation ID: 1500663). Advanced modeling of protein sequence and biophysical properties (such as structural, functional, and spatial information, amino acid conservation, physicochemical variation, residue mobility, and thermodynamic stability) performed at Invitae indicates that this missense variant is expected to disrupt DNA2 protein function. In summary, the available evidence is currently insufficient to determine the role of this variant in disease. Therefore, it has been classified as a Variant of Uncertain Significance.